The following is an entry in ClinVar:

NM_018975.4(TERF2IP):c.802G>A (p.Glu268Lys)

Gene: TERF2IP (TERF2 interacting protein; plus strand). Cytogenetic location: 16q23.1.
Variant type: single nucleotide variant.
Coding change: c.802G>A on transcript NM_018975.4 (MANE Select); coding-DNA position 802, G replaced by A.
Protein change: p.Glu268Lys; replaces glutamic acid 268 with lysine.
Molecular consequence: missense variant. On other transcripts: non-coding transcript variant (1).
Genome position (GRCh38, 1-based): chr16:75,656,213, G>A. VCF-style: chr16-75656213-G-A. GRCh37 (hg19) VCF-style: chr16-75690111-G-A.
Other names: short protein forms E268K.
Identifiers: ClinVar variation 2497029 (VCV002497029.2), dbSNP rs1451050524, ClinGen allele CA396819605.

ClinVar aggregate classification (germline): Uncertain significance (1 of 4 stars; one submission).

Allele frequency attached by ClinVar (database versions not stated): gnomAD exomes below 0.00001; TOPMed 0.00002.
gnomAD v4.1: 5 of 1,605,378 alleles (0.00031%); highest among the groups gnomAD compares: Admixed American, 0.0034%; no homozygotes.

Submission:

Ambry Genetics
Classification: Uncertain significance. Last evaluated: 2022-12-18. Review status: criteria provided, single submitter. Criteria: Ambry Variant Classification Scheme 2023. Collection method: clinical testing. Allele origin: germline.
Comment: The p.E268K variant (also known as c.802G>A), located in coding exon 3 of the TERF2IP gene, results from a G to A substitution at nucleotide position 802. The glutamic acid at codon 268 is replaced by lysine, an amino acid with similar properties. This amino acid position is conserved. In addition, this alteration is predicted to be tolerated by in silico analysis. Since supporting evidence is limited at this time, the clinical significance of this alteration remains unclear.